The following is an entry in ClinVar:

NM_001024845.3(SLC6A9):c.329A>G (p.Tyr110Cys)

Gene: SLC6A9 (solute carrier family 6 member 9; minus strand). Cytogenetic location: 1p34.1.
Variant type: single nucleotide variant.
Coding change: c.329A>G on transcript NM_001024845.3 (MANE Select); coding-DNA position 329, A replaced by G.
Protein change: p.Tyr110Cys; replaces tyrosine 110 with cysteine.
Molecular consequence: missense variant. On other transcripts: 5 prime UTR variant (2), non-coding transcript variant (1).
Genome position (GRCh38, 1-based): chr1:44,008,614, T>C on the plus strand (A>G on the coding strand, the complement: SLC6A9 is on the minus strand). VCF-style: chr1-44008614-T-C. GRCh37 (hg19) VCF-style: chr1-44474286-T-C.
Other names: c.341A>G, p.Tyr114Cys (NM_001261380.2); c.-5A>G (NM_001328626.2, NM_001328630.2); c.266A>G, p.Tyr89Cys (NM_001328627.1); c.134A>G, p.Tyr45Cys (NM_001328628.1); c.329A>G, p.Tyr110Cys (NM_001328629.1); c.386A>G, p.Tyr129Cys (NM_006934.4); c.548A>G, p.Tyr183Cys (NM_201649.4); short protein forms Y183C, Y129C, Y89C, Y110C, Y114C, Y45C.
Identifiers: ClinVar variation 2151578 (VCV002151578.4), dbSNP rs779760316, ClinGen allele CA817818.

ClinVar aggregate classification (germline): Uncertain significance (1 of 4 stars; one submission).

Conditions:
Atypical glycine encephalopathy. Also called: Glycine encephalopathy with normal serum glycine. Identifiers: Orphanet 289863, MedGen C4310943, MONDO:0015010, OMIM 617301.

Allele frequency attached by ClinVar (database versions not stated): ExAC 0.00001; gnomAD exomes 0.00001.
gnomAD v4.1: 9 of 1,613,304 alleles (0.00056%); highest among the groups gnomAD compares: South Asian, 0.0088%; no homozygotes.

Submission:

Labcorp Genetics (formerly Invitae), Labcorp
Classification: Uncertain significance for Atypical glycine encephalopathy. Last evaluated: 2022-11-01. Review status: criteria provided, single submitter. Criteria: Invitae Variant Classification Sherloc (09022015). Collection method: clinical testing. Allele origin: germline.
Comment: This variant is present in population databases (rs779760316, gnomAD 0.01%). In summary, the available evidence is currently insufficient to determine the role of this variant in disease. Therefore, it has been classified as a Variant of Uncertain Significance. Algorithms developed to predict the effect of missense changes on protein structure and function (SIFT, PolyPhen-2, Align-GVGD) all suggest that this variant is likely to be disruptive. This variant has not been reported in the literature in individuals affected with SLC6A9-related conditions. This sequence change replaces tyrosine, which is neutral and polar, with cysteine, which is neutral and slightly polar, at codon 183 of the SLC6A9 protein (p.Tyr183Cys).